The following is an entry in ClinVar:

ClinVar aggregate classification (germline): Likely pathogenic (1 of 4 stars; one submission).

Conditions:
Dilated cardiomyopathy 1G (CMD1G). Identifiers: Orphanet 154, MedGen C1858763, MONDO:0011400, OMIM 604145.
Autosomal recessive limb-girdle muscular dystrophy type 2J (LGMDR10). Also called: Limb-girdle muscular dystrophy, type 2J; MUSCULAR DYSTROPHY, LIMB-GIRDLE, AUTOSOMAL RECESSIVE 10. Identifiers: Orphanet 140922, MedGen C1837342, MONDO:0012127, OMIM 608807.

Submission:

Labcorp Genetics (formerly Invitae), Labcorp
Classification: Likely pathogenic for Dilated cardiomyopathy 1G; Autosomal recessive limb-girdle muscular dystrophy type 2J. Last evaluated: 2024-10-18. Review status: criteria provided, single submitter. Criteria: Invitae Variant Classification Sherloc (09022015). Collection method: clinical testing. Allele origin: germline.
Comment: This sequence change affects an acceptor splice site in intron 7 of the TTN gene. It is expected to disrupt RNA splicing and likely results in a truncated or disrupted TTN protein. This variant is not present in population databases (gnomAD no frequency). This variant has not been reported in the literature in individuals affected with TTN-related conditions. ClinVar contains an entry for this variant (Variation ID: 1513424). Algorithms developed to predict the effect of sequence changes on RNA splicing suggest that this variant may disrupt the consensus splice site. This variant is located in the Z band of TTN (PMID: 25589632). Truncating variants in this region have been reported in individuals affected with autosomal recessive centronuclear myopathy (PMID: 33449170, internal data). Truncating variants in this region have also been identified in individuals affected with autosomal dominant dilated cardiomyopathy and/or cardio-related conditions (PMID: 27869827, 32964742, internal data). In summary, the currently available evidence indicates that the variant is pathogenic, but additional data are needed to prove that conclusively. Therefore, this variant has been classified as Likely Pathogenic.

Literature cited by the submitters: PubMed 25589632; PubMed 33449170; PubMed 27869827; PubMed 32964742.

NM_001267550.2(TTN):c.1246-2A>G

Gene: TTN (titin; minus strand). Cytogenetic location: 2q31.2.
Variant type: single nucleotide variant.
Coding change: c.1246-2A>G on transcript NM_001267550.2 (MANE Select); the canonical splice acceptor site of the intron before coding-DNA position 1246, A replaced by G.
Molecular consequence: splice acceptor variant.
Genome position (GRCh38, 1-based): chr2:178,794,553, T>C on the plus strand (A>G on the coding strand, the complement: TTN is on the minus strand). VCF-style: chr2-178794553-T-C. GRCh37 (hg19) VCF-style: chr2-179659280-T-C.
Other names: c.1246-2A>G (NM_003319.4, NM_133437.4, NM_133432.3 and 3 more transcripts).
Identifiers: ClinVar variation 1513424 (VCV001513424.8), dbSNP rs2154355995, ClinGen allele CA349516905.
Genomic context (GRCh38, chr2:178,794,553, plus strand): 5'-ATATCAACGGCAGCAACAACAGTCGCAACAGCTGCACTTTTGTCAGCATCTTGTTTCACC[T>C]AGATTAGAAATGACCAAGTAGATTACTTTTTTAAATGACATGCCCAGTAGAAAATAAAAA-3'